The following is an entry in ClinVar:

ClinVar aggregate classification (germline): Uncertain significance. Review status: criteria provided, multiple submitters, no conflicts (2 of 4 stars). 2 submissions from 2 submitters: Uncertain significance (2). Last evaluated 2024-05-05.

Conditions:
Hereditary cancer-predisposing syndrome. Also called: Hereditary Cancer Syndrome; Tumor predisposition; Hereditary neoplastic syndrome; Neoplastic Syndromes, Hereditary. Identifiers: Orphanet 140162, MedGen C0027672, MeSH D009386, MONDO:0015356.
Bloom syndrome (BLM). Also called: Bloom-Torre-Machacek syndrome. Identifiers: Orphanet 125, MedGen C0005859, MONDO:0008876, OMIM 210900.

gnomAD v4.1: 5 of 1,606,162 alleles (0.00031%); highest among the groups gnomAD compares: East Asian, 0.0067%; no homozygotes.

Submissions (2):

Fulgent Genetics
Classification: Uncertain significance for Bloom syndrome. Last evaluated: 2024-05-05. Review status: criteria provided, single submitter. Criteria: ACMG Guidelines, 2015. Collection method: clinical testing. Allele origin: germline.

Ambry Genetics
Classification: Uncertain significance for Hereditary cancer-predisposing syndrome. Last evaluated: 2024-04-27. Review status: criteria provided, single submitter. Criteria: Ambry Variant Classification Scheme 2023. Collection method: clinical testing. Allele origin: germline.
Comment: The p.T747I variant (also known as c.2240C>T), located in coding exon 9 of the BLM gene, results from a C to T substitution at nucleotide position 2240. The threonine at codon 747 is replaced by isoleucine, an amino acid with similar properties. This amino acid position is conserved. In addition, this alteration is predicted to be tolerated by in silico analysis. Based on the available evidence, the clinical significance of this variant remains unclear.

NM_000057.4(BLM):c.2240C>T (p.Thr747Ile)

Gene: BLM (BLM RecQ like helicase; plus strand). Cytogenetic location: 15q26.1.
Variant type: single nucleotide variant.
Coding change: c.2240C>T on transcript NM_000057.4 (MANE Select); coding-DNA position 2240, C replaced by T.
Protein change: p.Thr747Ile; replaces threonine 747 with isoleucine.
Molecular consequence: missense variant.
Genome position (GRCh38, 1-based): chr15:90,766,956, C>T. VCF-style: chr15-90766956-C-T. GRCh37 (hg19) VCF-style: chr15-91310186-C-T.
Other names: c.2240C>T, p.Thr747Ile (NM_001287246.2, NM_001287247.2); c.1115C>T, p.Thr372Ile (NM_001287248.2); short protein forms T372I, T747I.
Identifiers: ClinVar variation 3260992 (VCV003260992.2).